The following is an entry in ClinVar:

NM_177438.3(DICER1):c.1195G>C (p.Glu399Gln)

Gene: DICER1 (dicer 1, ribonuclease III; minus strand). Cytogenetic location: 14q32.13.
Variant type: single nucleotide variant.
Coding change: c.1195G>C on transcript NM_177438.3 (MANE Select); coding-DNA position 1195, G replaced by C.
Protein change: p.Glu399Gln; replaces glutamic acid 399 with glutamine.
Molecular consequence: missense variant.
Genome position (GRCh38, 1-based): chr14:95,124,377, C>G on the plus strand (G>C on the coding strand, the complement: DICER1 is on the minus strand). VCF-style: chr14-95124377-C-G. GRCh37 (hg19) VCF-style: chr14-95590714-C-G.
Other names: c.1195G>C, p.Glu399Gln (NM_001195573.1, NM_001271282.3, NM_001291628.2 and 1 more transcripts); short protein forms E399Q.
Identifiers: ClinVar variation 645640 (VCV000645640.15), dbSNP rs868628444, ClinGen allele CA390886749.

ClinVar aggregate classification (germline): Uncertain significance. Review status: criteria provided, multiple submitters, no conflicts (2 of 4 stars). 2 submissions from 2 submitters: Uncertain significance (2). Last evaluated 2025-05-21.

Conditions:
Hereditary cancer-predisposing syndrome. Also called: Neoplastic Syndromes, Hereditary; Hereditary Cancer Syndrome; Hereditary neoplastic syndrome; Tumor predisposition. Identifiers: Orphanet 140162, MedGen C0027672, MeSH D009386, MONDO:0015356.
DICER1-related tumor predisposition. Also called: DICER1 syndrome; DICER1-related pleuropulmonary blastoma cancer predisposition syndrome. Identifiers: Orphanet 284343, MedGen C3839822, MONDO:0100216.

Allele frequency attached by ClinVar (database versions not stated): TOPMed below 0.00001.

Submissions (2):

Labcorp Genetics (formerly Invitae), Labcorp
Classification: Uncertain significance for DICER1-related tumor predisposition. Last evaluated: 2025-05-21. Review status: criteria provided, single submitter. Criteria: Invitae Variant Classification Sherloc (09022015). Collection method: clinical testing. Allele origin: germline.
Comment: This sequence change replaces glutamic acid, which is acidic and polar, with glutamine, which is neutral and polar, at codon 399 of the DICER1 protein (p.Glu399Gln). This variant is not present in population databases (gnomAD no frequency). This variant has not been reported in the literature in individuals affected with DICER1-related conditions. ClinVar contains an entry for this variant (Variation ID: 645640). Invitae Evidence Modeling of protein sequence and biophysical properties (such as structural, functional, and spatial information, amino acid conservation, physicochemical variation, residue mobility, and thermodynamic stability) indicates that this missense variant is not expected to disrupt DICER1 protein function with a negative predictive value of 95%. In summary, the available evidence is currently insufficient to determine the role of this variant in disease. Therefore, it has been classified as a Variant of Uncertain Significance.

Ambry Genetics
Classification: Uncertain significance for Hereditary cancer-predisposing syndrome. Last evaluated: 2025-03-21. Review status: criteria provided, single submitter. Criteria: Ambry Variant Classification Scheme 2023. Collection method: clinical testing. Allele origin: germline.
Comment: The p.E399Q variant (also known as c.1195G>C), located in coding exon 7 of the DICER1 gene, results from a G to C substitution at nucleotide position 1195. The glutamic acid at codon 399 is replaced by glutamine, an amino acid with highly similar properties. This amino acid position is highly conserved in available vertebrate species. In addition, the in silico prediction for this alteration is inconclusive. Based on the available evidence, the clinical significance of this variant remains unclear.